The following is an entry in ClinVar:

NM_001009944.3(PKD1):c.636C>T (p.Ala212=)

Gene: PKD1 (polycystin 1, transient receptor potential channel interacting; minus strand). Cytogenetic location: 16p13.3.
Variant type: single nucleotide variant.
Coding change: c.636C>T on transcript NM_001009944.3 (MANE Select); coding-DNA position 636, C replaced by T.
Protein change: p.Ala212=; no amino-acid change (alanine 212 retained).
Molecular consequence: synonymous variant.
Genome position (GRCh38, 1-based): chr16:2,118,356, G>A on the plus strand (C>T on the coding strand, the complement: PKD1 is on the minus strand). VCF-style: chr16-2118356-G-A. GRCh37 (hg19) VCF-style: chr16-2168357-G-A.
Other names: c.636C>T, p.Ala212= (NM_000296.4).
Identifiers: ClinVar variation 3905395 (VCV003905395.10).
Genomic context (GRCh38, chr16:2,118,356, plus strand): 5'-ACACAGGCACCAGCCCTGCTCCGAGAGGGCTGCGAGGCCCTGGCCGGTGGAGAAGCAGAA[G>A]GCGCTGCAGGCCTCTGGCTGAAGCAGGCCTTCGTGGGCAGCTGAAAAGGACACTGCTGCC-3'
Protein context (NP_001009944.3, residues 202-222): EGLLQPEACS[Ala212=]FCFSTGQGLA

ClinVar aggregate classification (germline): Likely benign (1 of 4 stars; one submission).

gnomAD v4.1: 10 of 1,364,972 alleles (0.00073%); highest among the groups gnomAD compares: Middle Eastern, 0.098%; 1 homozygote.

Submission:

CeGaT Center for Human Genetics Tuebingen
Classification: Likely benign. Last evaluated: 2025-05-01. Review status: criteria provided, single submitter. Criteria: CeGaT Center For Human Genetics Tuebingen Variant Classification Criteria Version 2. Collection method: clinical testing. Allele origin: germline. Affected: yes. Observed: 1 variant allele.
Comment: PKD1: BP4, BP7